The following is an entry in ClinVar:

ClinVar aggregate classification (germline): Benign. Review status: criteria provided, multiple submitters, no conflicts (2 of 4 stars). 3 submissions from 3 submitters: Benign (3). Last evaluated 2023-06-01.

Allele frequency attached by ClinVar (database versions not stated): 1000 Genomes Project 0.00379; 1000 Genomes Project 30x 0.00390.
gnomAD v4.1: 412 of 1,613,854 alleles (0.026%); highest among the groups gnomAD compares: East Asian, 0.85%; 8 homozygotes.

Submissions (3):

CeGaT Center for Human Genetics Tuebingen
Classification: Benign. Last evaluated: 2023-06-01. Review status: criteria provided, single submitter. Criteria: CeGaT Center For Human Genetics Tuebingen Variant Classification Criteria Version 2. Collection method: clinical testing. Allele origin: germline. Affected: yes. Observed: 1 variant allele.
Comment: NLRP5: BP4, BP7, BS1, BS2

Labcorp Genetics (formerly Invitae), Labcorp
Classification: Benign. Last evaluated: 2018-09-19. Review status: criteria provided, single submitter. Criteria: Invitae Variant Classification Sherloc (09022015). Collection method: clinical testing. Allele origin: germline.

Breakthrough Genomics
Classification: Benign. Review status: criteria provided, single submitter. Criteria: ACMG Guidelines, 2015. Collection method: not provided. Allele origin: germline. Inheritance: Unknown mechanism. Affected: yes.

NM_001433705.1(NLRP5):c.3099G>T (p.Ala1033=)

Gene: NLRP5 (NLR family pyrin domain containing 5; plus strand). Cytogenetic location: 19q13.43.
Variant type: single nucleotide variant.
Coding change: c.3099G>T on transcript NM_001433705.1 (MANE Select); coding-DNA position 3099, G replaced by T.
Protein change: p.Ala1033=; no amino-acid change (alanine 1033 retained).
Molecular consequence: synonymous variant.
Genome position (GRCh38, 1-based): chr19:56,053,761, G>T. VCF-style: chr19-56053761-G-T. GRCh37 (hg19) VCF-style: chr19-56565127-G-T.
Other names: NM_153447.4:c.3252G>T.
Identifiers: ClinVar variation 737998 (VCV000737998.31), dbSNP rs392801, ClinGen allele CA9686193.